The following is an entry in ClinVar:

ClinVar aggregate classification (germline): Uncertain significance (1 of 4 stars; one submission).

Conditions:
Primary familial hypertrophic cardiomyopathy (HCM). Identifiers: Orphanet 99739, MedGen C0949658, MeSH D024741, MONDO:0024573. Inheritance: Various modes of inheritance.
Dilated cardiomyopathy 1AA (CMD1AA). Also called: CARDIOMYOPATHY, DILATED, 1AA, WITH OR WITHOUT LEFT VENTRICULAR NONCOMPACTION; CARDIOMYOPATHY, FAMILIAL HYPERTROPHIC, 23, WITH OR WITHOUT LEFT VENTRICULAR NONCOMPACTION; Cardiomyopathy, dilated, 1AA, with or without LVNC. Identifiers: Orphanet 154, MedGen C2677338, MONDO:0012808, OMIM 612158.

Submission:

Labcorp Genetics (formerly Invitae), Labcorp
Classification: Uncertain significance for Primary familial hypertrophic cardiomyopathy; Dilated cardiomyopathy 1AA. Last evaluated: 2024-05-02. Review status: criteria provided, single submitter. Criteria: Invitae Variant Classification Sherloc (09022015). Collection method: clinical testing. Allele origin: germline.
Comment: This sequence change replaces aspartic acid, which is acidic and polar, with asparagine, which is neutral and polar, at codon 857 of the ACTN2 protein (p.Asp857Asn). This variant is not present in population databases (gnomAD no frequency). This variant has not been reported in the literature in individuals affected with ACTN2-related conditions. An algorithm developed to predict the effect of missense changes on protein structure and function (PolyPhen-2) suggests that this variant is likely to be tolerated. In summary, the available evidence is currently insufficient to determine the role of this variant in disease. Therefore, it has been classified as a Variant of Uncertain Significance.

NM_001103.4(ACTN2):c.2569G>A (p.Asp857Asn)

Gene: ACTN2 (actinin alpha 2; plus strand). Cytogenetic location: 1q43.
Variant type: single nucleotide variant.
Coding change: c.2569G>A on transcript NM_001103.4 (MANE Select); coding-DNA position 2569, G replaced by A.
Protein change: p.Asp857Asn; replaces aspartic acid 857 with asparagine.
Molecular consequence: missense variant. On other transcripts: non-coding transcript variant (1).
Genome position (GRCh38, 1-based): chr1:236,762,503, G>A. VCF-style: chr1-236762503-G-A. GRCh37 (hg19) VCF-style: chr1-236925803-G-A.
Other names: c.2569G>A, p.Asp857Asn (NM_001278343.2); short protein forms D857N.
Identifiers: ClinVar variation 3756164 (VCV003756164.2).